The following is an entry in ClinVar:

ClinVar aggregate classification (germline): Conflicting classifications of pathogenicity. Review status: criteria provided, conflicting classifications (1 of 4 stars). 8 submissions from 8 submitters: Uncertain significance (1); Benign (1); Likely benign (6). Last evaluated 2026-06-01.

Conditions:
Cardiovascular phenotype. Identifiers: MedGen CN230736.
Long QT syndrome (LQTS). Identifiers: MedGen C0023976, MeSH D008133, MONDO:0002442. Disease mechanism: loss of function. Inheritance: Various modes of inheritance.
Cardiac arrhythmia, ankyrin-B-related. Also called: ANKYRIN-B SYNDROME. Identifiers: Orphanet 101016, Orphanet 768, MedGen C1970119, MONDO:0010958, OMIM 600919.

Allele frequency attached by ClinVar (database versions not stated): gnomAD exomes 0.00052 and 0.00122; gnomAD 0.00056 and 0.00058; TOPMed 0.00062; 1000 Genomes Project 0.00020; ESP Exome Variant Server 0.00023; 1000 Genomes Project 30x 0.00031; ExAC 0.00051.
gnomAD v4.1: 1,865 of 1,614,072 alleles (0.12%); highest among the groups gnomAD compares: Non-Finnish European, 0.15%; 1 homozygote.

Submissions (8):

CeGaT Center for Human Genetics Tuebingen
Classification: Likely benign. Last evaluated: 2026-06-01. Review status: criteria provided, single submitter. Criteria: CeGaT Center For Human Genetics Tuebingen Variant Classification Criteria Version 2. Collection method: clinical testing. Allele origin: germline. Affected: yes. Observed: 1 variant allele.
Comment: ANK2: BP4, BP7, BS1

Labcorp Genetics (formerly Invitae), Labcorp
Classification: Likely benign for Long QT syndrome. Last evaluated: 2026-02-03. Review status: criteria provided, single submitter. Criteria: Invitae Variant Classification Sherloc (09022015). Collection method: clinical testing. Allele origin: germline.

Molecular Diagnostic Laboratory for Inherited Cardiovascular Disease, Montreal Heart Institute
Classification: Likely benign. Last evaluated: 2025-04-09. Review status: criteria provided, single submitter. Criteria: ACMG Guidelines, 2015. Collection method: clinical testing. Allele origin: germline. Affected: no.

Blueprint Genetics
Classification: Likely benign. Last evaluated: 2024-11-12. Review status: criteria provided, single submitter. Criteria: ACMG Guidelines, 2015. Collection method: clinical testing. Allele origin: germline.

Women's Health and Genetics/Laboratory Corporation of America, LabCorp
Classification: Benign. Last evaluated: 2022-02-19. Review status: criteria provided, single submitter. Criteria: LabCorp Variant Classification Summary - May 2015. Collection method: clinical testing. Allele origin: germline.

GeneDx
Classification: Likely benign. Last evaluated: 2021-04-13. Review status: criteria provided, single submitter. Criteria: GeneDx Variant Classification Process June 2021. Collection method: clinical testing. Allele origin: germline. Affected: yes.

Illumina Laboratory Services, Illumina
Classification: Uncertain significance for Cardiac arrhythmia, ankyrin-B-related. Last evaluated: 2018-01-12. Review status: criteria provided, single submitter. Criteria: ICSL Variant Classification Criteria 13 December 2019. Collection method: clinical testing. Allele origin: germline.

Ambry Genetics
Classification: Likely benign for Cardiovascular phenotype. Last evaluated: 2016-09-25. Review status: criteria provided, single submitter. Criteria: Ambry Variant Classification Scheme 2023. Collection method: clinical testing. Allele origin: germline.

NM_001148.6(ANK2):c.6912T>C (p.Thr2304=)

Genes: ANK2 (ankyrin 2; plus strand), LOC126807137 (CDK7 strongly-dependent group 2 enhancer GRCh37_chr4:114276560-114277759; plus strand). Cytogenetic location: 4q26.
Variant type: single nucleotide variant.
Coding change: c.6912T>C on transcript NM_001148.6 (MANE Select); coding-DNA position 6912, T replaced by C.
Protein change: p.Thr2304=; no amino-acid change (threonine 2304 retained).
Molecular consequence: synonymous variant. On other transcripts: intron variant (68).
Genome position (GRCh38, 1-based): chr4:113,355,530, T>C. VCF-style: chr4-113355530-T-C. GRCh37 (hg19) VCF-style: chr4-114276686-T-C.
Other names: c.6678T>C, p.Thr2226= (NM_001386142.1); c.3312T>C, p.Thr1104= (NM_001386166.1); c.7053T>C, p.Thr2351= (NM_001386174.1); c.7029T>C, p.Thr2343= (NM_001386175.1); c.4411+5281T>C (NM_001386186.2, NM_001386148.2); c.4213+5281T>C (NM_001354269.3); c.4291+5281T>C (NM_001386187.2); c.4252+5281T>C (NM_001386147.1); and 36 more.
Identifiers: ClinVar variation 238586 (VCV000238586.25), dbSNP rs190680846, ClinGen allele CA3051491.